The following is an entry in ClinVar:

NC_000002.12:g.(?_29222334)_(29275506_?)del

Gene: ALK (ALK receptor tyrosine kinase; minus strand). Cytogenetic location: 2p23.2.
Variant type: Deletion.
Identifiers: ClinVar variation 832739 (VCV000832739.4).

ClinVar aggregate classification (germline): Uncertain significance (1 of 4 stars; one submission).

Conditions:
Neuroblastoma, susceptibility to, 3. Also called: ALK-Related Neuroblastic Tumor Susceptibility. Identifiers: Orphanet 635, MedGen C2751681, MONDO:0013083, OMIM 613014.

Submission:

Labcorp Genetics (formerly Invitae), Labcorp
Classification: Uncertain significance for Neuroblastoma, susceptibility to, 3. Last evaluated: 2019-11-27. Review status: criteria provided, single submitter. Criteria: Invitae Variant Classification Sherloc (09022015). Collection method: clinical testing. Allele origin: germline.
Comment: In summary, the available evidence is currently insufficient to determine the role of this variant in disease. Therefore, it has been classified as a Variant of Uncertain Significance. Experimental studies and prediction algorithms are not available or were not evaluated, and the functional significance of this variant is currently unknown. This variant has not been reported in the literature in individuals with ALK-related conditions. This variant is an in-frame deletion of the genomic region encompassing 10-22 of the ALK gene. It preserves the integrity of the reading frame.